The following is an entry in ClinVar:

ClinVar aggregate classification (germline): Conflicting classifications of pathogenicity. Review status: criteria provided, conflicting classifications (1 of 4 stars). 3 submissions from 3 submitters: Uncertain significance (2); Likely benign (1). Last evaluated 2025-03-12.

Conditions:
UMOD-related disorder. Also called: UMOD-related condition.
Inborn genetic diseases. Identifiers: MedGen C0950123, MeSH D030342.

Allele frequency attached by ClinVar (database versions not stated): TOPMed 0.00003; 1000 Genomes Project 0.00020; 1000 Genomes Project 30x 0.00031; ExAC 0.00002; gnomAD 0.00003; ESP Exome Variant Server 0.00008.
gnomAD v4.1: 80 of 1,613,832 alleles (0.005%); highest among the groups gnomAD compares: Non-Finnish European, 0.0062%; no homozygotes.

Submissions (3):

Labcorp Genetics (formerly Invitae), Labcorp
Classification: Uncertain significance. Last evaluated: 2025-03-12. Review status: criteria provided, single submitter. Criteria: Invitae Variant Classification Sherloc (09022015). Collection method: clinical testing. Allele origin: germline.
Comment: This sequence change replaces glycine, which is neutral and non-polar, with arginine, which is basic and polar, at codon 452 of the UMOD protein (p.Gly452Arg). This variant is present in population databases (rs138682701, gnomAD 0.005%). This variant has not been reported in the literature in individuals affected with UMOD-related conditions. ClinVar contains an entry for this variant (Variation ID: 2631855). Invitae Evidence Modeling of protein sequence and biophysical properties (such as structural, functional, and spatial information, amino acid conservation, physicochemical variation, residue mobility, and thermodynamic stability) indicates that this missense variant is not expected to disrupt UMOD protein function with a negative predictive value of 80%. In summary, the available evidence is currently insufficient to determine the role of this variant in disease. Therefore, it has been classified as a Variant of Uncertain Significance.

Ambry Genetics
Classification: Likely benign for Inborn genetic diseases. Last evaluated: 2024-11-11. Review status: criteria provided, single submitter. Criteria: Ambry Variant Classification Scheme 2023. Collection method: clinical testing. Allele origin: germline.

PreventionGenetics, part of Exact Sciences
Classification: Uncertain significance for UMOD-related condition. Last evaluated: 2022-11-02. Review status: criteria provided, single submitter. Criteria: ACMG Guidelines, 2015. Collection method: clinical testing. Allele origin: germline.
Comment: The UMOD c.1354G>A variant is predicted to result in the amino acid substitution p.Gly452Arg. To our knowledge, this variant has not been reported in the literature. This variant is reported in 0.0054% of alleles in individuals of European (Non-Finnish) descent in gnomAD. At this time, the clinical significance of this variant is uncertain due to the absence of conclusive functional and genetic evidence.

NM_003361.4(UMOD):c.1354G>A (p.Gly452Arg)

Gene: UMOD (uromodulin; minus strand). Cytogenetic location: 16p12.3.
Variant type: single nucleotide variant.
Coding change: c.1354G>A on transcript NM_003361.4 (MANE Select); coding-DNA position 1354, G replaced by A.
Protein change: p.Gly452Arg; replaces glycine 452 with arginine.
Molecular consequence: missense variant. On other transcripts: non-coding transcript variant (1).
Genome position (GRCh38, 1-based): chr16:20,341,314, C>T on the plus strand (G>A on the coding strand, the complement: UMOD is on the minus strand). VCF-style: chr16-20341314-C-T. GRCh37 (hg19) VCF-style: chr16-20352636-C-T.
Other names: c.1354G>A (NM_003361.2); c.1354G>A, p.Gly452Arg (NM_001008389.3, NM_001378232.1, NM_001378233.1); c.1453G>A, p.Gly485Arg (NM_001278614.2); c.1495G>A, p.Gly499Arg (NM_001378234.1, NM_001378235.1); short protein forms G452R, G485R, G499R.
Identifiers: ClinVar variation 2631855 (VCV002631855.5), dbSNP rs138682701, ClinGen allele CA7939168.